The following is an entry in ClinVar:

NM_003482.4(KMT2D):c.1120C>A (p.Pro374Thr)

Gene: KMT2D (lysine methyltransferase 2D; minus strand). Cytogenetic location: 12q13.12.
Variant type: single nucleotide variant.
Coding change: c.1120C>A on transcript NM_003482.4 (MANE Select); coding-DNA position 1120, C replaced by A.
Protein change: p.Pro374Thr; replaces proline 374 with threonine.
Molecular consequence: missense variant.
Genome position (GRCh38, 1-based): chr12:49,052,702, G>T on the plus strand (C>A on the coding strand, the complement: KMT2D is on the minus strand). VCF-style: chr12-49052702-G-T. GRCh37 (hg19) VCF-style: chr12-49446485-G-T.
Other names: short protein forms P374T.
Identifiers: ClinVar variation 94149 (VCV000094149.23), dbSNP rs202013880, ClinGen allele CA160639.

ClinVar aggregate classification (germline): Benign/Likely benign. Review status: criteria provided, multiple submitters, no conflicts (2 of 4 stars). 8 submissions from 8 submitters: Benign (2); Likely benign (4). 2 of the submissions do not count toward it. Last evaluated 2026-01-27.

Conditions:
KMT2D-related disorder. Also called: KMT2D-Related Disorders.
Kabuki syndrome. Also called: NIIKAWA-KUROKI SYNDROME; Kabuki make-up syndrome. Identifiers: Orphanet 2322, MedGen C0796004, MONDO:0016512.
Kabuki syndrome 1 (KABUK1). Also called: KMT2D-Related Kabuki Syndrome. Identifiers: Orphanet 2322, MedGen CN030661, MONDO:0007843, OMIM 147920.

Allele frequency attached by ClinVar (database versions not stated): gnomAD exomes 0.00017; ExAC 0.00025; gnomAD 0.00075; ESP Exome Variant Server 0.00081; 1000 Genomes Project 0.00060; TOPMed 0.00072; 1000 Genomes Project 30x 0.00078.
gnomAD v4.1: 207 of 1,613,614 alleles (0.013%); highest among the groups gnomAD compares: African/African-American, 0.25%; no homozygotes.

Submissions (8):

Labcorp Genetics (formerly Invitae), Labcorp
Classification: Likely benign for Kabuki syndrome. Last evaluated: 2026-01-27. Review status: criteria provided, single submitter. Criteria: Invitae Variant Classification Sherloc (09022015). Collection method: clinical testing. Allele origin: germline.

ARUP Laboratories, Molecular Genetics and Genomics, ARUP Laboratories
Classification: Likely benign. Last evaluated: 2025-03-14. Review status: criteria provided, single submitter. Criteria: ARUP Molecular Germline Variant Investigation Process 2024. Collection method: clinical testing. Allele origin: germline.

Blueprint Genetics
Classification: Likely benign. Last evaluated: 2023-12-27. Review status: criteria provided, single submitter. Criteria: ACMG Guidelines, 2015. Collection method: clinical testing. Allele origin: germline.

Fulgent Genetics
Classification: Likely benign for Kabuki syndrome 1. Last evaluated: 2021-10-12. Review status: criteria provided, single submitter. Criteria: ACMG Guidelines, 2015. Collection method: clinical testing. Allele origin: unknown.

GeneDx
Classification: Benign. Last evaluated: 2019-07-25. Review status: criteria provided, single submitter. Criteria: GeneDx Variant Classification Process June 2021. Collection method: clinical testing. Allele origin: germline. Affected: yes.

Eurofins Ntd Llc (ga)
Classification: Benign. Last evaluated: 2015-04-24. Review status: criteria provided, single submitter. Criteria: EGL Classification Definitions 2015. Collection method: clinical testing. Allele origin: germline. Observed: 3 variant alleles, 3 heterozygotes.

PreventionGenetics, part of Exact Sciences
Classification: Likely benign for KMT2D-related condition. Last evaluated: 2019-09-18. Review status: no assertion criteria provided. Collection method: clinical testing. Allele origin: germline. Not counted in ClinVar's aggregate classification.
Comment: This variant is classified as likely benign based on ACMG/AMP sequence variant interpretation guidelines (Richards et al. 2015 PMID: 25741868, with internal and published modifications).

ITMI
No classification provided. Condition: AllHighlyPenetrant. Last evaluated: 2013-09-19. Review status: no classification provided. Collection method: reference population. Allele origin: germline. Not counted in ClinVar's aggregate classification.
Comment: Please see associated publication for description of ethnicities

Literature cited by the submitters: PubMed 24728327 (cited by ITMI).